The following is an entry in ClinVar:

NM_000540.3(RYR1):c.7086G>A (p.Glu2362=)

Gene: RYR1 (ryanodine receptor 1; plus strand). Cytogenetic location: 19q13.2.
Variant type: single nucleotide variant.
Coding change: c.7086G>A on transcript NM_000540.3 (MANE Select); coding-DNA position 7086, G replaced by A.
Protein change: p.Glu2362=; no amino-acid change (glutamic acid 2362 retained).
Molecular consequence: synonymous variant.
Genome position (GRCh38, 1-based): chr19:38,499,693, G>A. VCF-style: chr19-38499693-G-A. GRCh37 (hg19) VCF-style: chr19-38990333-G-A.
Other names: c.7086G>A, p.Glu2362= (NM_001042723.2).
Identifiers: ClinVar variation 3073024 (VCV003073024.1), dbSNP rs1970012217, ClinGen allele CA507353848.

ClinVar aggregate classification (germline): Likely benign (1 of 4 stars; one submission).

Conditions:
Malignant hyperthermia, susceptibility to, 1 (MHS1). Also called: Anesthesia related hyperthermia; Malignant hyperpyrexia; Fulminating hyperpyrexia; Pharmacogenic myopathy; RYR1-Related Malignant Hyperthermia Susceptibility; Malignant hyperthermia suceptibility 1. Identifiers: Orphanet 423, MedGen C2930980, MONDO:0007783, OMIM 145600.

Allele frequency attached by ClinVar (database versions not stated): gnomAD 0.00001; gnomAD exomes 0.00001.

Submission:

All of Us Research Program, National Institutes of Health
Classification: Likely benign for Malignant hyperthermia, susceptibility to, 1. Last evaluated: 2023-08-15. Review status: criteria provided, single submitter. Criteria: ACMG Guidelines, 2015. Collection method: clinical testing. Allele origin: germline. Inheritance: Autosomal dominant inheritance. Observed: 1 variant allele, 1 heterozygote.
Comment: This study involves interpretation of variants in research participants for the purpose of population health screening. Participant phenotype was not available at the time of variant classification. Additional details can be found in publication PMID: 35346344, PMCID: PMC8962531